The following is an entry in ClinVar:

ClinVar aggregate classification (germline): Uncertain significance (1 of 4 stars; one submission).

Conditions:
Hereditary cancer-predisposing syndrome. Also called: Tumor predisposition; Neoplastic Syndromes, Hereditary; Hereditary Cancer Syndrome; Hereditary neoplastic syndrome. Identifiers: Orphanet 140162, MedGen C0027672, MeSH D009386, MONDO:0015356.

Submission:

Ambry Genetics
Classification: Uncertain significance for Hereditary cancer-predisposing syndrome. Last evaluated: 2024-08-17. Review status: criteria provided, single submitter. Criteria: Ambry Variant Classification Scheme 2023. Collection method: clinical testing. Allele origin: germline.
Comment: The p.D177Y variant (also known as c.529G>T), located in coding exon 5 of the EPCAM gene, results from a G to T substitution at nucleotide position 529. The aspartic acid at codon 177 is replaced by tyrosine, an amino acid with highly dissimilar properties. This amino acid position is conserved. In addition, the in silico prediction for this alteration is inconclusive. Based on the available evidence, the clinical significance of this variant remains unclear.

NM_002354.3(EPCAM):c.529G>T (p.Asp177Tyr)

Gene: EPCAM (epithelial cell adhesion molecule; plus strand). Cytogenetic location: 2p21.
Variant type: single nucleotide variant.
Coding change: c.529G>T on transcript NM_002354.3 (MANE Select); coding-DNA position 529, G replaced by T.
Protein change: p.Asp177Tyr; replaces aspartic acid 177 with tyrosine.
Molecular consequence: missense variant.
Genome position (GRCh38, 1-based): chr2:47,377,051, G>T. VCF-style: chr2-47377051-G-T. GRCh37 (hg19) VCF-style: chr2-47604190-G-T.
Other names: short protein forms D177Y.
Identifiers: ClinVar variation 3509174 (VCV003509174.1).